The following is an entry in ClinVar:

ClinVar aggregate classification (germline): Uncertain significance (1 of 4 stars; one submission).

Conditions:
Primary immunodeficiency with post-measles-mumps-rubella vaccine viral infection. Also called: Immunodeficiency 44. Identifiers: Orphanet 431166, MedGen C4225260, MONDO:0014715, OMIM 616636.

Submission:

Labcorp Genetics (formerly Invitae), Labcorp
Classification: Uncertain significance for Primary immunodeficiency with post-measles-mumps-rubella vaccine viral infection. Last evaluated: 2024-02-09. Review status: criteria provided, single submitter. Criteria: Invitae Variant Classification Sherloc (09022015). Collection method: clinical testing. Allele origin: germline.
Comment: This sequence change falls in intron 9 of the STAT2 gene. It does not directly change the encoded amino acid sequence of the STAT2 protein. This variant is not present in population databases (gnomAD no frequency). This variant has not been reported in the literature in individuals affected with STAT2-related conditions. This variant is also known as c.942-15_942-2del. Experimental studies and prediction algorithms are not available or were not evaluated, and the effect of this variant on mRNA splicing is currently unknown. In summary, the available evidence is currently insufficient to determine the role of this variant in disease. Therefore, it has been classified as a Variant of Uncertain Significance.

NM_005419.4(STAT2):c.942-15_942-2del

Gene: STAT2 (signal transducer and activator of transcription 2; minus strand). Cytogenetic location: 12q13.3.
Variant type: Deletion.
Coding change: c.942-15_942-2del on transcript NM_005419.4 (MANE Select); 15 bases into the intron before coding-DNA position 942 through the canonical splice acceptor site of the intron before coding-DNA position 942, 14 bases deleted (CCTCTCTCTCCTCA).
Molecular consequence: splice acceptor variant.
Genome position (GRCh38, 1-based): chr12:56,351,192-56,351,205, TGAGGAGAGAGAGG deleted on the plus strand (CCTCTCTCTCCTCA on the coding strand, the reverse complement: STAT2 is on the minus strand); deleting any 14 consecutive bases within chr12:56,351,192-56,351,207 gives the same sequence; the c. name uses the placement nearest the transcript's 3' end. VCF-style (leftmost placement, unchanged base first): chr12-56351191-CTGAGGAGAGAGAGG-C. GRCh37 (hg19) VCF-style: chr12-56744975-CTGAGGAGAGAGAGG-C.
Other names: c.930-15_930-2del (NM_001385110.1, NM_001385115.1, NM_198332.2); c.942-15_942-2del (NM_001385114.1, NM_001385111.1, NM_001385113.1).
Identifiers: ClinVar variation 3665136 (VCV003665136.2).